The following is an entry in ClinVar:

NM_000038.6(APC):c.7692G>C (p.Trp2564Cys)

Gene: APC (APC regulator of Wnt signaling pathway; plus strand). Cytogenetic location: 5q22.2.
Variant type: single nucleotide variant.
Coding change: c.7692G>C on transcript NM_000038.6 (MANE Select); coding-DNA position 7692, G replaced by C.
Protein change: p.Trp2564Cys; replaces tryptophan 2564 with cysteine.
Molecular consequence: missense variant.
Genome position (GRCh38, 1-based): chr5:112,843,286, G>C. VCF-style: chr5-112843286-G-C. GRCh37 (hg19) VCF-style: chr5-112178983-G-C.
Other names: c.7692G>C, p.Trp2564Cys (NM_001127510.3, NM_001354895.2); c.7638G>C, p.Trp2546Cys (NM_001127511.3); c.7746G>C, p.Trp2582Cys (NM_001354896.2); c.7722G>C, p.Trp2574Cys (NM_001354897.2); c.7617G>C, p.Trp2539Cys (NM_001354898.2); c.7608G>C, p.Trp2536Cys (NM_001354899.2); c.7569G>C, p.Trp2523Cys (NM_001354900.2); c.7515G>C, p.Trp2505Cys (NM_001354901.2); and 5 more; short protein forms W2505C, W2546C, W2574C, W2404C, W2438C, W2473C, W2564C, W2523C.
Identifiers: ClinVar variation 1039868 (VCV001039868.48), dbSNP rs1766542279, ClinGen allele CA16038038.

ClinVar aggregate classification (germline): Uncertain significance (1 of 4 stars; one submission).

Conditions:
Familial adenomatous polyposis 1 (FAP1). Also called: FAMILIAL ADENOMATOUS POLYPOSIS 1, ATTENUATED; POLYPOSIS, ADENOMATOUS INTESTINAL. Identifiers: MedGen C2713442, MONDO:0021056, OMIM 175100. Disease mechanism: loss of function.

Submission:

Labcorp Genetics (formerly Invitae), Labcorp
Classification: Uncertain significance for Familial adenomatous polyposis 1. Last evaluated: 2024-05-12. Review status: criteria provided, single submitter. Criteria: Invitae Variant Classification Sherloc (09022015). Collection method: clinical testing. Allele origin: germline.
Comment: This sequence change replaces tryptophan, which is neutral and slightly polar, with cysteine, which is neutral and slightly polar, at codon 2564 of the APC protein (p.Trp2564Cys). This variant is not present in population databases (gnomAD no frequency). This variant has not been reported in the literature in individuals affected with APC-related conditions. ClinVar contains an entry for this variant (Variation ID: 1039868). Advanced modeling of protein sequence and biophysical properties (such as structural, functional, and spatial information, amino acid conservation, physicochemical variation, residue mobility, and thermodynamic stability) performed at Invitae indicates that this missense variant is not expected to disrupt APC protein function with a negative predictive value of 95%. In summary, the available evidence is currently insufficient to determine the role of this variant in disease. Therefore, it has been classified as a Variant of Uncertain Significance.